The following is an entry in ClinVar:

NM_170606.3(KMT2C):c.2795A>G (p.Asn932Ser)

Gene: KMT2C (lysine methyltransferase 2C; minus strand). Cytogenetic location: 7q36.1.
Variant type: single nucleotide variant.
Coding change: c.2795A>G on transcript NM_170606.3 (MANE Select); coding-DNA position 2795, A replaced by G.
Protein change: p.Asn932Ser; replaces asparagine 932 with serine.
Molecular consequence: missense variant.
Genome position (GRCh38, 1-based): chr7:152,230,296, T>C on the plus strand (A>G on the coding strand, the complement: KMT2C is on the minus strand). VCF-style: chr7-152230296-T-C. GRCh37 (hg19) VCF-style: chr7-151927381-T-C.
Other names: short protein forms N932S.
Identifiers: ClinVar variation 3027319 (VCV003027319.22), dbSNP rs2485738776, ClinGen allele CA370111086.

ClinVar aggregate classification (germline): Uncertain significance (1 of 4 stars; one submission).

Submission:

CeGaT Center for Human Genetics Tuebingen
Classification: Uncertain significance. Last evaluated: 2024-02-01. Review status: criteria provided, single submitter. Criteria: CeGaT Center For Human Genetics Tuebingen Variant Classification Criteria Version 2. Collection method: clinical testing. Allele origin: germline. Affected: yes. Observed: 1 variant allele.
Comment: KMT2C: PM2, PP2, BP4